The following is an entry in ClinVar:

ClinVar aggregate classification (germline): Uncertain significance (1 of 4 stars; one submission).

Conditions:
Charcot-Marie-Tooth disease type 2R. Also called: CHARCOT-MARIE-TOOTH NEUROPATHY, TYPE 2R; CHARCOT-MARIE-TOOTH DISEASE, AXONAL, AUTOSOMAL RECESSIVE, TYPE 2R; Charcot-Marie-Tooth disease, axonal, type 2R. Identifiers: Orphanet 397968, MedGen C3809655, MONDO:0014208, OMIM 615490.

Submission:

Labcorp Genetics (formerly Invitae), Labcorp
Classification: Uncertain significance for Charcot-Marie-Tooth disease type 2R. Last evaluated: 2023-03-20. Review status: criteria provided, single submitter. Criteria: Invitae Variant Classification Sherloc (09022015). Collection method: clinical testing. Allele origin: germline.
Comment: This sequence change replaces serine, which is neutral and polar, with proline, which is neutral and non-polar, at codon 239 of the TRIM2 protein (p.Ser239Pro). This variant is not present in population databases (gnomAD no frequency). This variant has not been reported in the literature in individuals affected with TRIM2-related conditions. An algorithm developed to predict the effect of missense changes on protein structure and function (PolyPhen-2) suggests that this variant is likely to be tolerated. In summary, the available evidence is currently insufficient to determine the role of this variant in disease. Therefore, it has been classified as a Variant of Uncertain Significance.

NM_015271.5(TRIM2):c.796T>C (p.Ser266Pro)

Gene: TRIM2 (tripartite motif containing 2; plus strand). Cytogenetic location: 4q31.3.
Variant type: single nucleotide variant.
Coding change: c.796T>C on transcript NM_015271.5 (MANE Select); coding-DNA position 796, T replaced by C.
Protein change: p.Ser266Pro; replaces serine 266 with proline.
Molecular consequence: missense variant.
Genome position (GRCh38, 1-based): chr4:153,295,322, T>C. VCF-style: chr4-153295322-T-C. GRCh37 (hg19) VCF-style: chr4-154216474-T-C.
Other names: c.715T>C, p.Ser239Pro (NM_001130067.2, NM_001351056.2, NM_001375512.1 and 5 more transcripts); c.769T>C, p.Ser257Pro (NM_001351054.2); c.766T>C, p.Ser256Pro (NM_001351055.2); c.340T>C, p.Ser114Pro (NM_001351057.2); c.889T>C, p.Ser297Pro (NM_001375488.1); c.886T>C, p.Ser296Pro (NM_001375489.1); c.739T>C, p.Ser247Pro (NM_001375490.1); c.736T>C, p.Ser246Pro (NM_001375491.1); and 3 more; short protein forms S153P, S266P, S297P, S154P, S246P, S155P, S239P, S247P.
Identifiers: ClinVar variation 2847616 (VCV002847616.3), dbSNP rs2546525735, ClinGen allele CA358472289.
Genomic context (GRCh38, chr4:153,295,322, plus strand): 5'-CTAGGCCCCGCCCTGTGGGACGAGCTCACCAGGCCTCCGGTTTTCCCGCAGGTCCTCCAG[T>C]CGCAGCTGGATACTCTGCTCCAGGGGCAGGAGAGCATTAAGAGCTGCAGCAACTTCACAG-3'
Protein context (NP_056086.2, residues 256-276): NYGLKHKVLQ[Ser266Pro]QLDTLLQGQE